The following is an entry in ClinVar:

NM_001370298.3(FGD4):c.412A>G (p.Met138Val)

Gene: FGD4 (FYVE, RhoGEF and PH domain containing 4; plus strand). Cytogenetic location: 12p11.21.
Variant type: single nucleotide variant.
Coding change: c.412A>G on transcript NM_001370298.3 (MANE Select); coding-DNA position 412, A replaced by G.
Protein change: p.Met138Val; replaces methionine 138 with valine.
Molecular consequence: missense variant. On other transcripts: 5 prime UTR variant (2), initiator codon variant (6), intron variant (4).
Genome position (GRCh38, 1-based): chr12:32,576,358, A>G. VCF-style: chr12-32576358-A-G. GRCh37 (hg19) VCF-style: chr12-32729292-A-G.
Other names: c.256A>G, p.Met86Val (NM_001304481.2); c.-844A>G (NM_001304483.2); c.-1151A>G (NM_001304484.2); c.412A>G, p.Met138Val (NM_001384126.1); c.1A>G, p.Met1Val (NM_001384127.1, NM_001384128.1, NM_001384131.1 and 3 more transcripts); c.-187-5602A>G (NM_001330374.2, NM_001330373.2, NM_001384130.1); c.48+12069A>G (NM_001370297.1); short protein forms M138V, M1V, M86V.
Identifiers: ClinVar variation 1022763 (VCV001022763.9), dbSNP rs1946127146, ClinGen allele CA384355286.
Genomic context (GRCh38, chr12:32,576,358, plus strand): 5'-CCTTCGTCCAATATACACCAAACCCCCAGGCATAAAGCTTTACCTAGTGCAAAACCAAGG[A>G]TGGAGGAAATTAAACCTGCCTCTGCTTCTTGTGTCTCAAAAGAAAAACCCAGTAAGGTAT-3'
Protein context (NP_001357227.2, residues 128-148): HKALPSAKPR[Met138Val]EEIKPASASC

ClinVar aggregate classification (germline): Uncertain significance (1 of 4 stars; one submission).

Conditions:
Charcot-Marie-Tooth disease type 4. Also called: Charcot-Marie-Tooth, Type 4; Charcot-Marie-Tooth disease, type IV. Identifiers: Orphanet 64749, MedGen C4082197, MONDO:0018995.

Submission:

Labcorp Genetics (formerly Invitae), Labcorp
Classification: Uncertain significance for Charcot-Marie-Tooth disease type 4. Last evaluated: 2018-06-06. Review status: criteria provided, single submitter. Criteria: Invitae Variant Classification Sherloc (09022015). Collection method: clinical testing. Allele origin: germline.
Comment: In summary, the available evidence is currently insufficient to determine the role of this variant in disease. Therefore, it has been classified as a Variant of Uncertain Significance. This variant has not been reported in the literature in individuals with FGD4-related disease. This variant is not present in population databases (ExAC no frequency). This sequence change affects the initiator methionine of the FGD4 mRNA. The next in-frame methionine is located at codon 94.